The following is an entry in ClinVar:

NM_001386795.1(DTNA):c.1435-2A>G

Gene: DTNA (dystrobrevin alpha; plus strand). Cytogenetic location: 18q12.1.
Variant type: single nucleotide variant.
Coding change: c.1435-2A>G on transcript NM_001386795.1 (MANE Select); the canonical splice acceptor site of the intron before coding-DNA position 1435, A replaced by G.
Molecular consequence: splice acceptor variant. On other transcripts: intron variant (6).
Genome position (GRCh38, 1-based): chr18:34,851,829, A>G. VCF-style: chr18-34851829-A-G. GRCh37 (hg19) VCF-style: chr18-32431793-A-G.
Other names: c.1183-2A>G (NM_032975.4, NM_001386761.1, NM_032979.5); c.1183-5A>G (NM_001386762.1); c.1264-2A>G (NM_001386754.1, NM_001386755.1, NM_001386757.1 and 4 more transcripts); c.1264-5A>G (NM_001386760.1); c.1174-2A>G (NM_001386763.1, NM_001386764.1, NM_001386771.1 and 9 more transcripts); c.1174-5A>G (NM_001386768.1, NM_001386773.1, NM_001386769.1 and 1 more transcripts); c.604-2A>G (NM_001198945.2); c.1435-2A>G (NM_001386788.1); and 7 more.
Identifiers: ClinVar variation 3709205 (VCV003709205.2).
Genomic context (GRCh38, chr18:34,851,829, plus strand): 5'-CCTTCCCAAATACATAGGTTCACATTCTCAATATGAAATCTTATAAACTACATATTTTAC[A>G]GCAGCCACCTCAGCAGAGAAGTGCTCCTGACATCTCTTTCACCATCGATGCGAATAAGCA-3'

ClinVar aggregate classification (germline): Uncertain significance (1 of 4 stars; one submission).

Conditions:
Left ventricular noncompaction 1 (LVNC1). Also called: LEFT VENTRICULAR NONCOMPACTION 1 WITH OR WITHOUT CONGENITAL HEART DEFECTS. Identifiers: Orphanet 54260, MedGen C1858725, MONDO:0011403, OMIM 604169.

gnomAD v4.1: 1 of 1,613,984 alleles (0.000062%); highest among the groups gnomAD compares: Non-Finnish European, 0.000085%; no homozygotes.

Submission:

Labcorp Genetics (formerly Invitae), Labcorp
Classification: Uncertain significance for Left ventricular noncompaction 1. Last evaluated: 2024-11-10. Review status: criteria provided, single submitter. Criteria: Invitae Variant Classification Sherloc (09022015). Collection method: clinical testing. Allele origin: germline.
Comment: This sequence change affects an acceptor splice site in intron 13 of the DTNA gene. It is expected to disrupt RNA splicing. Variants that disrupt the donor or acceptor splice site typically lead to a loss of protein function (PMID: 16199547), however the current clinical and genetic evidence is not sufficient to establish whether loss-of-function variants in DTNA cause disease. This variant is not present in population databases (gnomAD no frequency). This variant has not been reported in the literature in individuals affected with DTNA-related conditions. Algorithms developed to predict the effect of sequence changes on RNA splicing suggest that this variant may disrupt the consensus splice site. In summary, the available evidence is currently insufficient to determine the role of this variant in disease. Therefore, it has been classified as a Variant of Uncertain Significance.

Literature cited by the submitters: PubMed 16199547.